The following is an entry in ClinVar:

NM_001792.5(CDH2):c.1741+1G>T

Gene: CDH2 (cadherin 2; minus strand). Cytogenetic location: 18q12.1.
Variant type: single nucleotide variant.
Coding change: c.1741+1G>T on transcript NM_001792.5 (MANE Select); the canonical splice donor site of the intron after coding-DNA position 1741, G replaced by T.
Molecular consequence: splice donor variant.
Genome position (GRCh38, 1-based): chr18:27,988,523, C>A on the plus strand (G>T on the coding strand, the complement: CDH2 is on the minus strand). VCF-style: chr18-27988523-C-A. GRCh37 (hg19) VCF-style: chr18-25568487-C-A.
Other names: c.1648+1G>T (NM_001308176.2).
Identifiers: ClinVar variation 4838502 (VCV004838502.1).

ClinVar aggregate classification (germline): Uncertain significance (1 of 4 stars; one submission).

Conditions:
Inborn genetic diseases. Identifiers: MedGen C0950123, MeSH D030342.

Submission:

Ambry Genetics
Classification: Uncertain significance for Inborn genetic diseases. Last evaluated: 2026-01-05. Review status: criteria provided, single submitter. Criteria: Ambry Variant Classification Scheme 2023. Collection method: clinical testing. Allele origin: germline.
Comment: The c.1741+1G>T intronic variant consists of a G to T substitution one nucleotide after exon 11 (coding exon 11) of the CDH2 gene. Alterations that disrupt the canonical splice site are expected to cause aberrant splicing, resulting in an abnormal protein or a transcript that is subject to nonsense-mediated mRNA decay. However, loss of function of CDH2 has not been established as a mechanism of disease. This variant was not reported in population-based cohorts in the Genome Aggregation Database (gnomAD). This nucleotide position is highly conserved in available vertebrate species. In silico splice site analysis predicts that this alteration will weaken the native splice donor site. Based on insufficient or conflicting evidence, the clinical significance of this alteration remains unclear.